The following is an entry in ClinVar:

NC_000016.9:g.(?_14723944)_(14724045_?)dup

Gene: PARN (poly(A)-specific ribonuclease; minus strand). Cytogenetic location: 16p13.12.
Variant type: Duplication.
Identifiers: ClinVar variation 2424491 (VCV002424491.8).

ClinVar aggregate classification (germline): Uncertain significance (1 of 4 stars; one submission).

Conditions:
Dyskeratosis congenita, autosomal recessive 6 (DKCB6). Identifiers: MedGen C4225356, MONDO:0014600, OMIM 616353.
Pulmonary fibrosis and/or bone marrow failure, Telomere-related, 4. Also called: PULMONARY FIBROSIS AND/OR BONE MARROW FAILURE SYNDROME, TELOMERE-RELATED, 4. Identifiers: Orphanet 2032, MedGen C4225347, MONDO:0014612, OMIM 616371.

Submission:

Labcorp Genetics (formerly Invitae), Labcorp
Classification: Uncertain significance for Dyskeratosis congenita, autosomal recessive 6; Pulmonary fibrosis and/or bone marrow failure, Telomere-related, 4. Last evaluated: 2022-05-27. Review status: criteria provided, single submitter. Criteria: Invitae Variant Classification Sherloc (09022015). Collection method: clinical testing. Allele origin: germline.
Comment: In summary, the available evidence is currently insufficient to determine the role of this variant in disease. Therefore, it has been classified as a Variant of Uncertain Significance. Experimental studies and prediction algorithms are not available or were not evaluated, and the functional significance of this variant is currently unknown. This variant has not been reported in the literature in individuals affected with PARN-related conditions. This variant results in a copy number gain of the genomic region encompassing exon(s) 1 of the PARN gene. This region includes the initiator codon of the gene. This copy number gain extends beyond the assayed region for this gene and therefore may encompass additional genes. As the precise location of this event is unknown, it may be in tandem or it may be located elsewhere in the genome.